The following is an entry in ClinVar:

ClinVar aggregate classification (germline): Uncertain significance. Review status: criteria provided, multiple submitters, no conflicts (2 of 4 stars). 5 submissions from 5 submitters: Uncertain significance (5). Last evaluated 2025-04-25.

Conditions:
Microcephaly, seizures, and developmental delay. Identifiers: Orphanet 1934, MedGen C3150667, MONDO:0013254, OMIM 613402.
Ataxia - oculomotor apraxia type 4. Identifiers: Orphanet 459033, MedGen C4225397, MONDO:0014557, OMIM 616267.
Inborn genetic diseases. Identifiers: MedGen C0950123, MeSH D030342.
Developmental and epileptic encephalopathy, 12 (DEE12). Identifiers: MedGen C3150988, MONDO:0013389, OMIM 613722.

Allele frequency attached by ClinVar (database versions not stated): ExAC 0.00004; gnomAD 0.00006; gnomAD exomes 0.00006 and 0.00014; TOPMed 0.00007; ESP Exome Variant Server 0.00023.
gnomAD v4.1: 221 of 1,610,166 alleles (0.014%); highest among the groups gnomAD compares: Non-Finnish European, 0.017%; no homozygotes.

Submissions (5):

GeneDx
Classification: Uncertain significance. Last evaluated: 2025-04-25. Review status: criteria provided, single submitter. Criteria: GeneDx Variant Classification Process June 2021. Collection method: clinical testing. Allele origin: germline. Affected: yes.
Comment: Not observed at significant frequency in large population cohorts (gnomAD); In silico analysis supports that this missense variant has a deleterious effect on protein structure/function; Has not been previously published as pathogenic or benign to our knowledge; This variant is associated with the following publications: (PMID: 22508754)

Labcorp Genetics (formerly Invitae), Labcorp
Classification: Uncertain significance for Developmental and epileptic encephalopathy, 12. Last evaluated: 2025-01-06. Review status: criteria provided, single submitter. Criteria: Invitae Variant Classification Sherloc (09022015). Collection method: clinical testing. Allele origin: germline.
Comment: This sequence change replaces methionine, which is neutral and non-polar, with threonine, which is neutral and polar, at codon 466 of the PNKP protein (p.Met466Thr). This variant is present in population databases (rs145886749, gnomAD 0.01%). This variant has not been reported in the literature in individuals affected with PNKP-related conditions. ClinVar contains an entry for this variant (Variation ID: 426407). Invitae Evidence Modeling of protein sequence and biophysical properties (such as structural, functional, and spatial information, amino acid conservation, physicochemical variation, residue mobility, and thermodynamic stability) indicates that this missense variant is not expected to disrupt PNKP protein function with a negative predictive value of 80%. In summary, the available evidence is currently insufficient to determine the role of this variant in disease. Therefore, it has been classified as a Variant of Uncertain Significance.

Blueprint Genetics
Classification: Uncertain significance. Last evaluated: 2021-09-29. Review status: criteria provided, single submitter. Criteria: ACMG Guidelines, 2015. Collection method: clinical testing. Allele origin: germline.

Ambry Genetics
Classification: Uncertain significance for Inborn genetic diseases. Last evaluated: 2021-08-16. Review status: criteria provided, single submitter. Criteria: Ambry Variant Classification Scheme 2023. Collection method: clinical testing. Allele origin: germline.

Revvity Omics, Revvity
Classification: Uncertain significance. Last evaluated: 2021-01-09. Review status: criteria provided, single submitter. Criteria: ACMG Guidelines, 2015. Collection method: clinical testing. Allele origin: germline.

NM_007254.4(PNKP):c.1397T>C (p.Met466Thr)

Gene: PNKP (polynucleotide kinase 3'-phosphatase; minus strand). Cytogenetic location: 19q13.33.
Variant type: single nucleotide variant.
Coding change: c.1397T>C on transcript NM_007254.4 (MANE Select); coding-DNA position 1397, T replaced by C.
Protein change: p.Met466Thr; replaces methionine 466 with threonine.
Molecular consequence: missense variant.
Genome position (GRCh38, 1-based): chr19:49,861,500, A>G on the plus strand (T>C on the coding strand, the complement: PNKP is on the minus strand). VCF-style: chr19-49861500-A-G. GRCh37 (hg19) VCF-style: chr19-50364757-A-G.
Other names: short protein forms M466T.
Identifiers: ClinVar variation 426407 (VCV000426407.19), dbSNP rs145886749, ClinGen allele CA9586389.